The following is an entry in ClinVar:

ClinVar aggregate classification (germline): Likely benign. Review status: criteria provided, multiple submitters, no conflicts (2 of 4 stars). 2 submissions from 2 submitters: Likely benign (2). Last evaluated 2025-11-08.

Conditions:
Hypertrophic cardiomyopathy. Also called: HYPERTROPHIC MYOCARDIOPATHY. Identifiers: Orphanet 217569, MedGen C0007194, MeSH D002312, MONDO:0005045, HP:0001639.
Hypertrophic cardiomyopathy 10. Also called: CARDIOMYOPATHY, HYPERTROPHIC, MID-LEFT VENTRICULAR CHAMBER TYPE, 2; MYL2-Related Familial Hypertrophic Cardiomyopathy. Identifiers: MedGen C1834460, MONDO:0012112, OMIM 608758.

Submissions (2):

Labcorp Genetics (formerly Invitae), Labcorp
Classification: Likely benign for Hypertrophic cardiomyopathy 10. Last evaluated: 2025-11-08. Review status: criteria provided, single submitter. Criteria: Invitae Variant Classification Sherloc (09022015). Collection method: clinical testing. Allele origin: germline.

All of Us Research Program, National Institutes of Health
Classification: Likely benign for Hypertrophic cardiomyopathy. Last evaluated: 2023-12-18. Review status: criteria provided, single submitter. Criteria: ACMG Guidelines, 2015. Collection method: clinical testing. Allele origin: germline. Inheritance: Autosomal dominant inheritance. Observed: 1 variant allele, 1 heterozygote.
Comment: This study involves interpretation of variants in research participants for the purpose of population health screening. Participant phenotype was not available at the time of variant classification. Additional details can be found in publication PMID: 35346344, PMCID: PMC8962531

NM_000432.4(MYL2):c.354-7T>C

Gene: MYL2 (myosin light chain 2; minus strand). Cytogenetic location: 12q24.11.
Variant type: single nucleotide variant.
Coding change: c.354-7T>C on transcript NM_000432.4 (MANE Select); 7 bases into the intron before coding-DNA position 354, T replaced by C.
Molecular consequence: intron variant.
Genome position (GRCh38, 1-based): chr12:110,913,151, A>G on the plus strand (T>C on the coding strand, the complement: MYL2 is on the minus strand). VCF-style: chr12-110913151-A-G. GRCh37 (hg19) VCF-style: chr12-111350955-A-G.
Other names: c.297-7T>C (NM_001406916.1); c.312-7T>C (NM_001406745.1).
Identifiers: ClinVar variation 3075161 (VCV003075161.2), dbSNP rs2499808313, ClinGen allele CA2825002051.